The following is an entry in ClinVar:

NM_001918.5(DBT):c.1394A>G (p.Asn465Ser)

Gene: DBT (dihydrolipoamide branched chain transacylase E2; minus strand). Cytogenetic location: 1p21.2.
Variant type: single nucleotide variant.
Coding change: c.1394A>G on transcript NM_001918.5 (MANE Select); coding-DNA position 1394, A replaced by G.
Protein change: p.Asn465Ser; replaces asparagine 465 with serine.
Molecular consequence: missense variant. On other transcripts: non-coding transcript variant (4).
Genome position (GRCh38, 1-based): chr1:100,196,310, T>C on the plus strand (A>G on the coding strand, the complement: DBT is on the minus strand). VCF-style: chr1-100196310-T-C. GRCh37 (hg19) VCF-style: chr1-100661866-T-C.
Other names: c.851A>G, p.Asn284Ser (NM_001399969.1, NM_001399972.1); c.1394A>G (NM_001918.2); short protein forms N284S, N465S.
Identifiers: ClinVar variation 2038385 (VCV002038385.3), dbSNP rs372606149, ClinGen allele CA969457.
Genomic context (GRCh38, chr1:100,196,310, plus strand): 5'-AGTCTTCATTTCAGATCTAGTAGCATAAAAGCTGGGTTTTCTAAATAGGATTTCCACAAA[T>C]TGGAGAAGCGTGACATTGTAGCACCATCAATAACTCTGTGATCAGCTGACCAGCTCACAT-3'
Protein context (NP_001909.4, residues 455-475): IDGATMSRFS[Asn465Ser]LWKSYLENPA

ClinVar aggregate classification (germline): Uncertain significance. Review status: criteria provided, multiple submitters, no conflicts (2 of 4 stars). 2 submissions from 2 submitters: Uncertain significance (2). Last evaluated 2025-08-11.

Conditions:
Maple syrup urine disease (MSUD). Identifiers: Orphanet 511, MedGen C0024776, MeSH D008375, MONDO:0009563. Disease mechanism: loss of function.
Inborn genetic diseases. Identifiers: MedGen C0950123, MeSH D030342.

Allele frequency attached by ClinVar (database versions not stated): ESP Exome Variant Server 0.00008; gnomAD exomes 0.00001; ExAC 0.00002; gnomAD 0.00002.
gnomAD v4.1: 16 of 1,613,756 alleles (0.00099%); highest among the groups gnomAD compares: Admixed American, 0.01%; no homozygotes.

Submissions (2):

Ambry Genetics
Classification: Uncertain significance for Inborn genetic diseases. Last evaluated: 2025-08-11. Review status: criteria provided, single submitter. Criteria: Ambry Variant Classification Scheme 2023. Collection method: clinical testing. Allele origin: germline.

Labcorp Genetics (formerly Invitae), Labcorp
Classification: Uncertain significance for Maple syrup urine disease. Last evaluated: 2025-01-13. Review status: criteria provided, single submitter. Criteria: Invitae Variant Classification Sherloc (09022015). Collection method: clinical testing. Allele origin: germline.
Comment: This sequence change replaces asparagine, which is neutral and polar, with serine, which is neutral and polar, at codon 465 of the DBT protein (p.Asn465Ser). This variant is present in population databases (rs372606149, gnomAD 0.01%). This variant has not been reported in the literature in individuals affected with DBT-related conditions. ClinVar contains an entry for this variant (Variation ID: 2038385). Invitae Evidence Modeling of protein sequence and biophysical properties (such as structural, functional, and spatial information, amino acid conservation, physicochemical variation, residue mobility, and thermodynamic stability) has been performed for this missense variant. However, the output from this modeling did not meet the statistical confidence thresholds required to predict the impact of this variant on DBT protein function. In summary, the available evidence is currently insufficient to determine the role of this variant in disease. Therefore, it has been classified as a Variant of Uncertain Significance.